The following is an entry in ClinVar:

ClinVar aggregate classification (germline): Uncertain significance (1 of 4 stars; one submission).

Conditions:
Inborn genetic diseases. Identifiers: MedGen C0950123, MeSH D030342.

Submission:

Ambry Genetics
Classification: Uncertain significance for Inborn genetic diseases. Last evaluated: 2026-06-08. Review status: criteria provided, single submitter. Criteria: Ambry Variant Classification Scheme 2023. Collection method: clinical testing. Allele origin: germline.
Comment: The c.4039-3C>A intronic variant consists of a C to A substitution 3 nucleotides before exon 24 (coding exon 24) of the KDM5C gene. This variant was not reported in population-based cohorts in the Genome Aggregation Database (gnomAD). In silico splice site analysis predicts that this alteration may result in the creation or strengthening of a novel splice acceptor site. Based on insufficient or conflicting evidence, the clinical significance of this alteration remains unclear.

NM_004187.5(KDM5C):c.4039-3C>A

Gene: KDM5C (lysine demethylase 5C; minus strand). Cytogenetic location: Xp11.22.
Variant type: single nucleotide variant.
Coding change: c.4039-3C>A on transcript NM_004187.5 (MANE Select); 3 bases into the intron before coding-DNA position 4039, C replaced by A.
Molecular consequence: intron variant.
Genome position (GRCh38, 1-based): chrX:53,193,854, G>T on the plus strand (C>A on the coding strand, the complement: KDM5C is on the minus strand). VCF-style: chrX-53193854-G-T. GRCh37 (hg19) VCF-style: chrX-53223036-G-T.
Other names: c.4036-3C>A (NM_001353982.2, NM_001353979.2, NM_001282622.3); c.4039-3C>A (NM_001353981.2, NM_001353984.2, NM_001353978.3); c.3838-3C>A (NM_001146702.2).
Identifiers: ClinVar variation 4858776 (VCV004858776.1).
Genomic context (GRCh38, chrX:53,193,854, plus strand): 5'-CCGGGGCTACCTTCTCAGGACTGGTCACACTGTCTCCATTCTCCAGTAAGCCCTGGACCT[G>T]CGGAGGAGAGCAAGAATAGGTAGGGGCAACTGAAGTGAAGAACCAGGCCCTATTCCTCCT-3'